The following is an entry in ClinVar:

NM_004006.3(DMD):c.7658G>A (p.Arg2553Gln)

Gene: DMD (dystrophin; minus strand). Cytogenetic location: Xp21.1.
Variant type: single nucleotide variant.
Coding change: c.7658G>A on transcript NM_004006.3 (MANE Select); coding-DNA position 7658, G replaced by A.
Protein change: p.Arg2553Gln; replaces arginine 2553 with glutamine.
Molecular consequence: missense variant.
Genome position (GRCh38, 1-based): chrX:31,729,633, C>T on the plus strand (G>A on the coding strand, the complement: DMD is on the minus strand). VCF-style: chrX-31729633-C-T. GRCh37 (hg19) VCF-style: chrX-31747750-C-T.
Other names: c.7634G>A, p.Arg2545Gln (NM_000109.4); c.7646G>A, p.Arg2549Gln (NM_004009.3); c.7289G>A, p.Arg2430Gln (NM_004010.3); c.3635G>A, p.Arg1212Gln (NM_004011.4); c.3626G>A, p.Arg1209Gln (NM_004012.4); c.278G>A, p.Arg93Gln (NM_004013.3, NM_004020.4, NM_004021.3 and 2 more transcripts); short protein forms R2553Q, R1212Q, R2430Q, R2545Q, R93Q, R1209Q, R2549Q.
Identifiers: ClinVar variation 197936 (VCV000197936.24), dbSNP rs764127932, ClinGen allele CA246329.

ClinVar aggregate classification (germline): Conflicting classifications of pathogenicity. Review status: criteria provided, conflicting classifications (1 of 4 stars). 7 submissions from 7 submitters: Uncertain significance (1); Likely benign (6). Last evaluated 2026-08-01.

Conditions:
Cardiovascular phenotype. Identifiers: MedGen CN230736.
Duchenne muscular dystrophy (DMD). Also called: Duchenne Muscular Dystrophy (DMD); MUSCULAR DYSTROPHY, PSEUDOHYPERTROPHIC PROGRESSIVE, DUCHENNE TYPE. Identifiers: Orphanet 98896, MedGen C0013264, MONDO:0010679, OMIM 310200.

Allele frequency attached by ClinVar (database versions not stated): ExAC 0.00005; gnomAD exomes 0.00005 and 0.00008; gnomAD 0.00010 and 0.00013; TOPMed 0.00014.
gnomAD v4.1: 94 of 1,204,691 alleles (0.0078%); highest among the groups gnomAD compares: Non-Finnish European, 0.0093%; no homozygotes.

Submissions (7):

CeGaT Center for Human Genetics Tuebingen
Classification: Likely benign. Last evaluated: 2026-08-01. Review status: criteria provided, single submitter. Criteria: CeGaT Center For Human Genetics Tuebingen Variant Classification Criteria Version 2. Collection method: clinical testing. Allele origin: germline. Affected: yes. Observed: 1 variant allele.
Comment: DMD: BP4, BS2

Labcorp Genetics (formerly Invitae), Labcorp
Classification: Likely benign for Duchenne muscular dystrophy. Last evaluated: 2025-12-31. Review status: criteria provided, single submitter. Criteria: Invitae Variant Classification Sherloc (09022015). Collection method: clinical testing. Allele origin: germline.

Molecular Diagnostic Laboratory for Inherited Cardiovascular Disease, Montreal Heart Institute
Classification: Likely benign. Last evaluated: 2025-04-09. Review status: criteria provided, single submitter. Criteria: ACMG Guidelines, 2015. Collection method: clinical testing. Allele origin: germline. Affected: no.
Comment: BP1, BP4, BP6

Women's Health and Genetics/Laboratory Corporation of America, LabCorp
Classification: Likely benign. Last evaluated: 2024-12-24. Review status: criteria provided, single submitter. Criteria: LabCorp Variant Classification Summary - May 2015. Collection method: clinical testing. Allele origin: germline.
Comment: Variant summary: DMD c.7658G>A (p.Arg2553Gln) results in a conservative amino acid change in the encoded protein sequence. Four of five in-silico tools predict a benign effect of the variant on protein function. Consensus agreement among computation tools predict no significant impact on normal splicing. However, these predictions have yet to be confirmed by functional studies. The variant allele was found at a frequency of 5.5e-05 in 183485 control chromosomes. The observed variant frequency is approximately 5 fold of the estimated maximal expected allele frequency for a pathogenic variant in DMD causing Dystrophinopathies phenotype (1.1e-05). c.7658G>A has been reported in the literature in at least one individual affected with Peripartum Cardiomyopathy (Goli_2021). These report(s) do not provide unequivocal conclusions about association of the variant with Dystrophinopathies. To our knowledge, no experimental evidence demonstrating an impact on protein function has been reported. The following publication has been ascertained in the context of this evaluation (PMID: 33874732). ClinVar contains an entry for this variant (Variation ID: 197936). Based on the evidence outlined above, the variant was classified as likely benign.

Ambry Genetics
Classification: Likely benign for Cardiovascular phenotype. Last evaluated: 2022-10-19. Review status: criteria provided, single submitter. Criteria: Ambry Variant Classification Scheme 2023. Collection method: clinical testing. Allele origin: germline.

GeneDx
Classification: Likely benign. Last evaluated: 2021-02-23. Review status: criteria provided, single submitter. Criteria: GeneDx Variant Classification Process June 2021. Collection method: clinical testing. Allele origin: germline. Affected: yes.
Comment: Has not been previously published as pathogenic or benign to our knowledge; This variant is associated with the following publications: (PMID: 30564623)

Eurofins Ntd Llc (ga)
Classification: Uncertain significance. Last evaluated: 2015-01-12. Review status: criteria provided, single submitter. Criteria: EGL Classification Definitions 2015. Collection method: clinical testing. Allele origin: germline. Observed: 3 variant alleles, 2 heterozygotes, 1 hemizygote.

Literature cited by the submitters: PubMed 33874732 (cited by Women's Health and Genetics/Laboratory Corporation of America, LabCorp).